The following is an entry in ClinVar:

ClinVar aggregate classification (germline): Uncertain significance. Review status: criteria provided, multiple submitters, no conflicts (2 of 4 stars). 2 submissions from 2 submitters: Uncertain significance (2). Last evaluated 2026-07-19.

Conditions:
Hypogonadotropic hypogonadism 14 with or without anosmia (HH14). Also called: HYPOGONADOTROPIC HYPOGONADISM 14 WITHOUT ANOSMIA. Identifiers: Orphanet 478, MedGen C3540450, MONDO:0013926, OMIM 614858.
Intellectual developmental disorder, autosomal recessive 78 (MRT78). Identifiers: MedGen C5830269, MONDO:0859373, OMIM 620237.

gnomAD v4.1: 177 of 1,614,130 alleles (0.011%); highest among the groups gnomAD compares: East Asian, 0.39%; 1 homozygote.

Submissions (2):

Department of Pediatrics, Asan Medical Center, University of Ulsan College of Medicine
Classification: Uncertain significance for Hypogonadotropic hypogonadism 14 with or without anosmia. Last evaluated: 2026-07-19. Review status: criteria provided, single submitter. Criteria: ACMG Guidelines, 2015. Collection method: research. Allele origin: germline. Inheritance: Autosomal dominant inheritance. Affected: yes. Observed: 1 heterozygote.
Comment: ACMG/AMP evidence codes: BS1. In silico predictions: CADD 26.1, PolyPhen-2 probably damaging, SIFT damaging, REVEL 0.532, MutationTaster disease causing. gnomAD MAF (East Asian): 0.0039. Previously reported (Koizumi M et al. Clin Pediatr Endocrinol 2025;34:200-203).

Fulgent Genetics
Classification: Uncertain significance for Hypogonadotropic hypogonadism 14 with or without anosmia; Intellectual developmental disorder, autosomal recessive 78. Last evaluated: 2024-04-17. Review status: criteria provided, single submitter. Criteria: ACMG Guidelines, 2015. Collection method: clinical testing. Allele origin: germline.

Literature cited by the submitters: Koizumi M et al. Clin Pediatr Endocrinol 2025 (cited by Department of Pediatrics, Asan Medical Center, University of Ulsan College of Medicine); 34:200-203 (cited by Department of Pediatrics, Asan Medical Center, University of Ulsan College of Medicine).

NM_018117.12(WDR11):c.3226G>A (p.Ala1076Thr)

Gene: WDR11 (WD repeat domain 11; plus strand). Cytogenetic location: 10q26.12.
Variant type: single nucleotide variant.
Coding change: c.3226G>A on transcript NM_018117.12 (MANE Select); coding-DNA position 3226, G replaced by A.
Protein change: p.Ala1076Thr; replaces alanine 1076 with threonine.
Molecular consequence: missense variant.
Genome position (GRCh38, 1-based): chr10:120,905,351, G>A. VCF-style: chr10-120905351-G-A. GRCh37 (hg19) VCF-style: chr10-122664863-G-A.
Other names: short protein forms A1076T.
Identifiers: ClinVar variation 3590731 (VCV003590731.2).